The following is an entry in ClinVar:

ClinVar aggregate classification (germline): Uncertain significance (1 of 4 stars; one submission).

Allele frequency attached by ClinVar (database versions not stated): gnomAD exomes 0.00001.

Submission:

Women's Health and Genetics/Laboratory Corporation of America, LabCorp
Classification: Uncertain significance. Last evaluated: 2023-05-17. Review status: criteria provided, single submitter. Criteria: LabCorp Variant Classification Summary - May 2015. Collection method: clinical testing. Allele origin: germline.
Comment: Variant summary: MAN2B1 c.2887delG (p.Glu963ArgfsX70) causes a frameshift which alters the final 49 amino acids and also results in an extension of the protein. The variant was absent in 251460 control chromosomes (gnomAD). c.2887delG has been reported in the literature in two compound heterozygous individuals affected with Alpha-Mannosidosis (Riise Stensland_2012, Borgwardt_2015). These data indicate that the variant may be associated with disease. To our knowledge, no experimental evidence demonstrating an impact on protein function has been reported. The following publications have been ascertained in the context of this evaluation (PMID: 26048034, 22161967). No clinical diagnostic laboratories have submitted clinical-significance assessments for this variant to ClinVar after 2014. Based on the evidence outlined above, the variant was classified as VUS-possibly pathogenic.

Literature cited by the submitters: PubMed 22161967; PubMed 26048034.

NM_000528.4(MAN2B1):c.2887del (p.Glu963fs)

Gene: MAN2B1 (mannosidase alpha class 2B member 1; minus strand). Cytogenetic location: 19p13.13.
Variant type: Deletion.
Coding change: c.2887del on transcript NM_000528.4 (MANE Select); coding-DNA position 2887, one base deleted (G; older notation c.2887delG).
Protein change: p.Glu963fs; shifts the reading frame from glutamic acid 963.
Molecular consequence: frameshift variant.
Genome position (GRCh38, 1-based): chr19:12,647,269, C deleted on the plus strand (G on the coding strand, the reverse complement: MAN2B1 is on the minus strand). VCF-style (leftmost placement, unchanged base first): chr19-12647268-TC-T. GRCh37 (hg19) VCF-style: chr19-12758082-TC-T.
Other names: c.2884del, p.Glu962fs (NM_001173498.2); short protein forms E962fs, E963fs.
Identifiers: ClinVar variation 1683262 (VCV001683262.2), dbSNP rs2145220124, ClinGen allele CA2573156055.